The following is an entry in ClinVar:

NM_001999.4(FBN2):c.3161G>A (p.Arg1054His)

Genes: FBN2 (fibrillin 2; minus strand), LOC126807501 (BRD4-independent group 4 enhancer GRCh37_chr5:127680731-127681930; plus strand). Cytogenetic location: 5q23.3.
Variant type: single nucleotide variant.
Coding change: c.3161G>A on transcript NM_001999.4 (MANE Select); coding-DNA position 3161, G replaced by A.
Protein change: p.Arg1054His; replaces arginine 1054 with histidine.
Molecular consequence: missense variant.
Genome position (GRCh38, 1-based): chr5:128,345,413, C>T on the plus strand (G>A on the coding strand, the complement: FBN2 is on the minus strand). VCF-style: chr5-128345413-C-T. GRCh37 (hg19) VCF-style: chr5-127681105-C-T.
Other names: short protein forms R1054H.
Identifiers: ClinVar variation 849532 (VCV000849532.12), dbSNP rs753760095, ClinGen allele CA3395315.
Genomic context (GRCh38, chr5:128,345,413, plus strand): 5'-TTACCTTTGTAAAATGGCCGCCCAGTAAGAACATCCCCTCGGTTAGCAAAGCCAGCCCCG[C>T]GGGGGCACAGCGTCTCGTATTCCTTGGTGCCAGGTTTGGGGCACTCCTCACACTCGGTGC-3'
Protein context (NP_001990.2, residues 1044-1064): GTKEYETLCP[Arg1054His]GAGFANRGDV

ClinVar aggregate classification (germline): Conflicting classifications of pathogenicity. Review status: criteria provided, conflicting classifications (1 of 4 stars). 3 submissions from 3 submitters: Uncertain significance (2); Likely benign (1). Last evaluated 2025-04-17.

Conditions:
Congenital contractural arachnodactyly (CCA). Also called: BEALS SYNDROME; Beals-Hecht syndrome; Arthrogryposis, distal, type 9. Identifiers: Orphanet 115, MedGen C0220668, MONDO:0007363, OMIM 121050.
Familial thoracic aortic aneurysm and aortic dissection (TAAD). Also called: Thoracic aortic aneurysms and dissections. Identifiers: Orphanet 91387, MedGen C4707243, MONDO:0019625.

Allele frequency attached by ClinVar (database versions not stated): ExAC 0.00001; TOPMed 0.00001.
gnomAD v4.1: 36 of 1,614,034 alleles (0.0022%); highest among the groups gnomAD compares: African/African-American, 0.004%; no homozygotes.

Submissions (3):

Labcorp Genetics (formerly Invitae), Labcorp
Classification: Likely benign for Congenital contractural arachnodactyly. Last evaluated: 2025-04-17. Review status: criteria provided, single submitter. Criteria: Invitae Variant Classification Sherloc (09022015). Collection method: clinical testing. Allele origin: germline.

Ambry Genetics
Classification: Uncertain significance for Familial thoracic aortic aneurysm and aortic dissection. Last evaluated: 2025-04-14. Review status: criteria provided, single submitter. Criteria: Ambry Variant Classification Scheme 2023. Collection method: clinical testing. Allele origin: germline.
Comment: The p.R1054H variant (also known as c.3161G>A), located in coding exon 24 of the FBN2 gene, results from a G to A substitution at nucleotide position 3161. The arginine at codon 1054 is replaced by histidine, an amino acid with highly similar properties. This amino acid position is highly conserved in available vertebrate species. In addition, this alteration is predicted to be deleterious by in silico analysis. Based on the available evidence, the clinical significance of this variant remains unclear.

GeneDx
Classification: Uncertain significance. Last evaluated: 2022-09-06. Review status: criteria provided, single submitter. Criteria: GeneDx Variant Classification Process June 2021. Collection method: clinical testing. Allele origin: germline. Affected: yes.
Comment: Not observed at significant frequency in large population cohorts (gnomAD); In silico analysis supports that this missense variant has a deleterious effect on protein structure/function; Has not been previously published as pathogenic or benign to our knowledge; Located within exons 24-33, where the majority of pathogenic variants reported to date occur (Callewaert et al., 2009, Frederic et al., 2009); Does not occur within a calcium-binding-EGF-like domain (Callewaert et al., 2009, Frederic et al., 2009)